The following is an entry in ClinVar:

NM_018896.5(CACNA1G):c.4786G>A (p.Asp1596Asn)

Gene: CACNA1G (calcium voltage-gated channel subunit alpha1 G; plus strand). Cytogenetic location: 17q21.33.
Variant type: single nucleotide variant.
Coding change: c.4786G>A on transcript NM_018896.5 (MANE Select); coding-DNA position 4786, G replaced by A.
Protein change: p.Asp1596Asn; replaces aspartic acid 1596 with asparagine.
Molecular consequence: missense variant. On other transcripts: non-coding transcript variant (5).
Genome position (GRCh38, 1-based): chr17:50,615,387, G>A. VCF-style: chr17-50615387-G-A. GRCh37 (hg19) VCF-style: chr17-48692748-G-A.
Other names: c.4732G>A, p.Asp1578Asn (NM_001256324.2, NM_001256328.2, NM_198386.3); c.4807G>A, p.Asp1603Asn (NM_001256325.2); c.4651G>A, p.Asp1551Asn (NM_001256326.2, NM_001256330.2); c.4786G>A, p.Asp1596Asn (NM_001256327.2, NM_001256333.2, NM_198384.3 and 1 more transcripts); c.4684G>A, p.Asp1562Asn (NM_001256329.2, NM_198376.3, NM_198379.3 and 2 more transcripts); c.4630G>A, p.Asp1544Asn (NM_001256331.2); c.4615G>A, p.Asp1539Asn (NM_001256332.2); c.4753G>A, p.Asp1585Asn (NM_001256334.2, NM_198377.3, NM_198378.3 and 1 more transcripts); and 6 more; short protein forms D1539N, D1544N, D1551N, D1555N, D1558N, D1560N, D1562N, D1569N.
Identifiers: ClinVar variation 2579556 (VCV002579556.5), dbSNP rs372802826, ClinGen allele CA8653194.

ClinVar aggregate classification (germline): Conflicting classifications of pathogenicity. Review status: criteria provided, conflicting classifications (1 of 4 stars). 4 submissions from 4 submitters: Uncertain significance (3); Likely benign (1). Last evaluated 2025-11-13.

Conditions:
CACNA1G-related disorder. Also called: CACNA1G-related disorders; CACNA1G-related condition.
Inborn genetic diseases. Identifiers: MedGen C0950123, MeSH D030342.

Allele frequency attached by ClinVar (database versions not stated): ExAC 0.00004; gnomAD 0.00005; TOPMed 0.00005; ESP Exome Variant Server 0.00008.
gnomAD v4.1: 100 of 1,611,402 alleles (0.0062%); highest among the groups gnomAD compares: Non-Finnish European, 0.0084%; no homozygotes.

Submissions (4):

PreventionGenetics, part of Exact Sciences
Classification: Uncertain significance for CACNA1G-related condition. Last evaluated: 2025-11-13. Review status: criteria provided, single submitter. Criteria: ACMG Guidelines, 2015. Collection method: clinical testing. Allele origin: germline.
Comment: The CACNA1G c.4786G>A variant is predicted to result in the amino acid substitution p.Asp1596Asn. To our knowledge, this variant has not been reported in the literature. This variant is reported in 0.010% of alleles in individuals of European (Non-Finnish) descent in gnomAD. At this time, the clinical significance of this variant is uncertain due to the absence of conclusive functional and genetic evidence.

Labcorp Genetics (formerly Invitae), Labcorp
Classification: Uncertain significance. Last evaluated: 2024-03-24. Review status: criteria provided, single submitter. Criteria: Invitae Variant Classification Sherloc (09022015). Collection method: clinical testing. Allele origin: germline.
Comment: This sequence change replaces aspartic acid, which is acidic and polar, with asparagine, which is neutral and polar, at codon 1596 of the CACNA1G protein (p.Asp1596Asn). This variant is present in population databases (rs372802826, gnomAD 0.01%). This variant has not been reported in the literature in individuals affected with CACNA1G-related conditions. ClinVar contains an entry for this variant (Variation ID: 2579556). Advanced modeling of protein sequence and biophysical properties (such as structural, functional, and spatial information, amino acid conservation, physicochemical variation, residue mobility, and thermodynamic stability) has been performed at Invitae for this missense variant, however the output from this modeling did not meet the statistical confidence thresholds required to predict the impact of this variant on CACNA1G protein function. In summary, the available evidence is currently insufficient to determine the role of this variant in disease. Therefore, it has been classified as a Variant of Uncertain Significance.

Ambry Genetics
Classification: Likely benign for Inborn genetic diseases. Last evaluated: 2023-11-13. Review status: criteria provided, single submitter. Criteria: Ambry Variant Classification Scheme 2023. Collection method: clinical testing. Allele origin: germline.

GeneDx
Classification: Uncertain significance. Last evaluated: 2023-03-05. Review status: criteria provided, single submitter. Criteria: GeneDx Variant Classification Process June 2021. Collection method: clinical testing. Allele origin: germline. Affected: yes.
Comment: In silico analysis supports that this missense variant has a deleterious effect on protein structure/function; Has not been previously published as pathogenic or benign to our knowledge